The following is an entry in ClinVar:

NM_000059.4(BRCA2):c.3512C>T (p.Pro1171Leu)

Gene: BRCA2 (BRCA2 DNA repair associated; plus strand). Cytogenetic location: 13q13.1.
Variant type: single nucleotide variant.
Coding change: c.3512C>T on transcript NM_000059.4 (MANE Select); coding-DNA position 3512, C replaced by T.
Protein change: p.Pro1171Leu; replaces proline 1171 with leucine.
Molecular consequence: missense variant.
Genome position (GRCh38, 1-based): chr13:32,337,867, C>T. VCF-style: chr13-32337867-C-T. GRCh37 (hg19) VCF-style: chr13-32912004-C-T.
Other names: short protein forms P1171L.
Identifiers: ClinVar variation 633129 (VCV000633129.15), dbSNP rs1566228707, ClinGen allele CA387777012.
Genomic context (GRCh38, chr13:32,337,867, plus strand): 5'-TCTTAAAGACCACTTCTGAGGAATGCAGAGATGCTGATCTTCATGTCATAATGAATGCCC[C>T]ATCGATTGGTCAGGTAGACAGCAGCAAGCAATTTGAAGGTACAGTTGAAATTAAACGGAA-3'
Protein context (NP_000050.3, residues 1161-1181): DADLHVIMNA[Pro1171Leu]SIGQVDSSKQ

ClinVar aggregate classification (germline): Conflicting classifications of pathogenicity. Review status: criteria provided, conflicting classifications (1 of 4 stars). 8 submissions from 8 submitters: Uncertain significance (6); Likely benign (2). Last evaluated 2025-04-11.

Conditions:
Hereditary cancer-predisposing syndrome. Also called: Tumor predisposition; Neoplastic Syndromes, Hereditary; Hereditary neoplastic syndrome; Hereditary Cancer Syndrome. Identifiers: Orphanet 140162, MedGen C0027672, MeSH D009386, MONDO:0015356.
Hereditary breast ovarian cancer syndrome. Also called: Hereditary breast and ovarian cancer; Hereditary breast and ovarian cancer syndrome (HBOC); Breast and ovarian cancer; Hereditary breast and ovarian cancer syndrome; BRCA1- and BRCA2-Associated Hereditary Breast and Ovarian Cancer; Hereditary breast and/or ovarian cancer syndrome. Identifiers: Orphanet 145, MedGen C0677776, MeSH D061325, MONDO:0003582. Disease mechanism: loss of function.
BRCA2-related cancer predisposition. Identifiers: MedGen CN377758, MONDO:0700269.
Breast and/or ovarian cancer. Identifiers: MedGen CN221562.

Allele frequency attached by ClinVar (database versions not stated): gnomAD exomes below 0.00001.
gnomAD v4.1: 2 of 1,614,016 alleles (0.00012%); highest among the groups gnomAD compares: Non-Finnish European, 0.00017%; no homozygotes.

Submissions (8):

Labcorp Genetics (formerly Invitae), Labcorp
Classification: Uncertain significance for Hereditary breast ovarian cancer syndrome. Last evaluated: 2025-04-11. Review status: criteria provided, single submitter. Criteria: Invitae Variant Classification Sherloc (09022015). Collection method: clinical testing. Allele origin: germline.
Comment: This sequence change replaces proline, which is neutral and non-polar, with leucine, which is neutral and non-polar, at codon 1171 of the BRCA2 protein (p.Pro1171Leu). This variant is not present in population databases (gnomAD no frequency). This variant has not been reported in the literature in individuals affected with BRCA2-related conditions. ClinVar contains an entry for this variant (Variation ID: 633129). Invitae Evidence Modeling of protein sequence and biophysical properties (such as structural, functional, and spatial information, amino acid conservation, physicochemical variation, residue mobility, and thermodynamic stability) indicates that this missense variant is not expected to disrupt BRCA2 protein function with a negative predictive value of 95%. In summary, the available evidence is currently insufficient to determine the role of this variant in disease. Therefore, it has been classified as a Variant of Uncertain Significance.

Ambry Genetics
Classification: Likely benign for Hereditary cancer-predisposing syndrome. Last evaluated: 2025-01-16. Review status: criteria provided, single submitter. Criteria: Ambry Variant Classification Scheme 2023. Collection method: clinical testing. Allele origin: germline.

All of Us Research Program, National Institutes of Health
Classification: Uncertain significance for BRCA2-related cancer predisposition. Last evaluated: 2024-07-20. Review status: criteria provided, single submitter. Criteria: ACMG Guidelines, 2015. Collection method: clinical testing. Allele origin: germline. Inheritance: Autosomal dominant inheritance. Observed: 1 variant allele, 1 heterozygote.
Comment: This missense variant replaces proline with leucine at codon 1171 of the BRCA2 protein. Computational prediction suggests that this variant may not impact protein structure and function. To our knowledge, functional studies have not been reported for this variant. This variant has been reported in a multifactorial analysis with co-occurrence and family history likelihood ratios for pathogenicity of 1.0246 and 1.044, respectively (PMID: 31131967). This variant has not been identified in the general population by the Genome Aggregation Database (gnomAD). The available evidence is insufficient to determine the role of this variant in disease conclusively. Therefore, this variant is classified as a Variant of Uncertain Significance.

This study involves interpretation of variants in research participants for the purpose of population health screening. Participant phenotype was not available at the time of variant classification. Additional details can be found in publication PMID: 35346344, PMCID: PMC8962531

Department of Pathology and Laboratory Medicine, Sinai Health System
Classification: Uncertain significance for BRCA2-related cancer predisposition. Last evaluated: 2023-09-25. Review status: criteria provided, single submitter. Criteria: ACMG Guidelines, 2015. Collection method: clinical testing. Allele origin: germline.

CHEO Genetics Diagnostic Laboratory, Children's Hospital of Eastern Ontario
Classification: Uncertain significance for Breast and/or ovarian cancer. Last evaluated: 2023-06-01. Review status: criteria provided, single submitter. Criteria: ACMG Guidelines, 2015. Collection method: clinical testing. Allele origin: germline.

University of Washington Department of Laboratory Medicine, University of Washington
Classification: Likely benign for Hereditary cancer-predisposing syndrome. Last evaluated: 2023-03-23. Review status: criteria provided, single submitter. Criteria: Dines et al. (Genet Med. 2020). Collection method: curation. Allele origin: germline.
Comment: Missense variant in a coldspot region where missense variants are very unlikely to be pathogenic (PMID:31911673).

BRCA2 exon 11 coldspot. Reclassification based on statistical prior probability.

GeneDx
Classification: Uncertain significance. Last evaluated: 2022-09-30. Review status: criteria provided, single submitter. Criteria: GeneDx Variant Classification Process June 2021. Collection method: clinical testing. Allele origin: germline. Affected: yes.
Comment: Not observed at significant frequency in large population cohorts (gnomAD); In silico analysis supports that this missense variant has a deleterious effect on protein structure/function; Has not been previously published as pathogenic or benign to our knowledge; Also known as 3740C>T; This variant is associated with the following publications: (PMID: 31131967)

Women's Health and Genetics/Laboratory Corporation of America, LabCorp
Classification: Uncertain significance. Last evaluated: 2018-10-08. Review status: criteria provided, single submitter. Criteria: LabCorp Variant Classification Summary - May 2015. Collection method: clinical testing. Allele origin: germline.
Comment: Variant summary: BRCA2 c.3512C>T (p.Pro1171Leu) results in a non-conservative amino acid change in the encoded protein sequence. Four of five in-silico tools predict a benign effect of the variant on protein function. The variant was absent in 245568 control chromosomes. The available data on variant occurrences in the general population are insufficient to allow any conclusion about variant significance. c.3512C>T has been reported in the literature as a somatic mutation, but does not allow for unequivocal conclusions about association of the variant with Hereditary Breast and Ovarian Cancer. To our knowledge, no experimental evidence demonstrating an impact on protein function has been reported. No clinical diagnostic laboratories have submitted clinical-significance assessments for this variant to ClinVar after 2014. Based on the evidence outlined above, the variant was classified as uncertain significance.

Literature cited by the submitters: PubMed 31131967 (cited by All of Us Research Program, National Institutes of Health); PubMed 25303977 (cited by Women's Health and Genetics/Laboratory Corporation of America, LabCorp).